The following is an entry in ClinVar:

NM_000535.7(PMS2):c.287C>G (p.Ala96Gly)

Gene: PMS2 (PMS1 homolog 2, mismatch repair system component; minus strand). Cytogenetic location: 7p22.1.
Variant type: single nucleotide variant.
Coding change: c.287C>G on transcript NM_000535.7 (MANE Select); coding-DNA position 287, C replaced by G.
Protein change: p.Ala96Gly; replaces alanine 96 with glycine.
Molecular consequence: missense variant. On other transcripts: 5 prime UTR variant (9), non-coding transcript variant (1), intron variant (2).
Genome position (GRCh38, 1-based): chr7:6,003,756, G>C on the plus strand (C>G on the coding strand, the complement: PMS2 is on the minus strand). VCF-style: chr7-6003756-G-C. GRCh37 (hg19) VCF-style: chr7-6043387-G-C.
Other names: c.-119C>G (NM_001018040.1, NM_001322003.2, NM_001322004.2 and 14 more transcripts); c.287C>G, p.Ala96Gly (NM_001322006.2, NM_001322014.2, NM_001406869.1 and 8 more transcripts); c.-598C>G (NM_001322011.2, NM_001322012.2); c.-198C>G (NM_001322015.2, NM_001406875.1, NM_001406877.1 and 3 more transcripts); c.473C>G, p.Ala158Gly (NM_001406866.1); c.311C>G, p.Ala104Gly (NM_001406868.1); c.-145C>G (NM_001406880.1); c.-66C>G (NM_001406888.1, NM_001406889.1, NM_001406892.1 and 6 more transcripts); and 2 more; short protein forms A104G, A158G, A96G.
Identifiers: ClinVar variation 1797151 (VCV001797151.2), dbSNP rs1583408790, ClinGen allele CA366744652.

ClinVar aggregate classification (germline): Uncertain significance (1 of 4 stars; one submission).

Conditions:
Hereditary cancer-predisposing syndrome. Also called: Tumor predisposition; Hereditary Cancer Syndrome; Neoplastic Syndromes, Hereditary; Hereditary neoplastic syndrome. Identifiers: Orphanet 140162, MedGen C0027672, MeSH D009386, MONDO:0015356.

Submission:

Ambry Genetics
Classification: Uncertain significance for Hereditary cancer-predisposing syndrome. Last evaluated: 2022-07-24. Review status: criteria provided, single submitter. Criteria: Ambry Variant Classification Scheme 2023. Collection method: clinical testing. Allele origin: germline.
Comment: The p.A96G variant (also known as c.287C>G), located in coding exon 4 of the PMS2 gene, results from a C to G substitution at nucleotide position 287. The alanine at codon 96 is replaced by glycine, an amino acid with similar properties. This amino acid position is conserved. In addition, this alteration is predicted to be tolerated by in silico analysis. Since supporting evidence is limited at this time, the clinical significance of this alteration remains unclear.